The following is an entry in ClinVar:

NM_006348.5(COG5):c.1789C>T (p.Leu597Phe)

Gene: COG5 (component of oligomeric golgi complex 5; minus strand). Cytogenetic location: 7q22.3.
Variant type: single nucleotide variant.
Coding change: c.1789C>T on transcript NM_006348.5 (MANE Select); coding-DNA position 1789, C replaced by T.
Protein change: p.Leu597Phe; replaces leucine 597 with phenylalanine.
Molecular consequence: missense variant.
Genome position (GRCh38, 1-based): chr7:107,248,460, G>A on the plus strand (C>T on the coding strand, the complement: COG5 is on the minus strand). VCF-style: chr7-107248460-G-A. GRCh37 (hg19) VCF-style: chr7-106888905-G-A.
Other names: c.1882C>T (NM_006348.3); c.1789C>T, p.Leu597Phe (NM_001161520.2, NM_001379513.1, NM_001379514.1); c.1627C>T, p.Leu543Phe (NM_001379511.1); c.1615C>T, p.Leu539Phe (NM_001379512.1); c.1219C>T, p.Leu407Phe (NM_001379515.1); c.1075C>T, p.Leu359Phe (NM_001379516.1); c.1726C>T, p.Leu576Phe (NM_181733.4); short protein forms L407F, L576F, L597F, L539F, L543F, L359F.
Identifiers: ClinVar variation 594960 (VCV000594960.11), dbSNP rs148575627, ClinGen allele CA4430780.

ClinVar aggregate classification (germline): Uncertain significance. Review status: criteria provided, multiple submitters, no conflicts (2 of 4 stars). 4 submissions from 4 submitters: Uncertain significance (4). Last evaluated 2023-06-09.

Conditions:
Inborn genetic diseases. Identifiers: MedGen C0950123, MeSH D030342.
COG5-congenital disorder of glycosylation. Also called: CDG IIi; CONGENITAL DISORDER OF GLYCOSYLATION, TYPE IIi; COG5-CDG. Identifiers: Orphanet 263487, MedGen C3150876, MONDO:0013325, OMIM 613612.

Allele frequency attached by ClinVar (database versions not stated): gnomAD exomes 0.00001 and 0.00003; ExAC 0.00002; ESP Exome Variant Server 0.00008; 1000 Genomes Project 30x 0.00016; gnomAD 0.00016 and 0.00017; TOPMed 0.00018; 1000 Genomes Project 0.00020.
gnomAD v4.1: 40 of 1,609,518 alleles (0.0025%); highest among the groups gnomAD compares: African/African-American, 0.05%; no homozygotes.

Submissions (4):

GeneDx
Classification: Uncertain significance. Last evaluated: 2023-06-09. Review status: criteria provided, single submitter. Criteria: GeneDx Variant Classification Process June 2021. Collection method: clinical testing. Allele origin: germline. Affected: yes.
Comment: In silico analysis supports that this missense variant does not alter protein structure/function; Has not been previously published as pathogenic or benign to our knowledge

Labcorp Genetics (formerly Invitae), Labcorp
Classification: Uncertain significance for COG5-congenital disorder of glycosylation. Last evaluated: 2022-09-01. Review status: criteria provided, single submitter. Criteria: Invitae Variant Classification Sherloc (09022015). Collection method: clinical testing. Allele origin: germline.
Comment: This sequence change replaces leucine, which is neutral and non-polar, with phenylalanine, which is neutral and non-polar, at codon 628 of the COG5 protein (p.Leu628Phe). This variant is present in population databases (rs148575627, gnomAD 0.06%). This variant has not been reported in the literature in individuals affected with COG5-related conditions. ClinVar contains an entry for this variant (Variation ID: 594960). Algorithms developed to predict the effect of missense changes on protein structure and function are either unavailable or do not agree on the potential impact of this missense change (SIFT: "Deleterious"; PolyPhen-2: "Benign"; Align-GVGD: "Class C0"). In summary, the available evidence is currently insufficient to determine the role of this variant in disease. Therefore, it has been classified as a Variant of Uncertain Significance.

Ambry Genetics
Classification: Uncertain significance for Inborn genetic diseases. Last evaluated: 2021-08-13. Review status: criteria provided, single submitter. Criteria: Ambry Variant Classification Scheme 2023. Collection method: clinical testing. Allele origin: germline.

Eurofins Ntd Llc (ga)
Classification: Uncertain significance. Last evaluated: 2017-11-09. Review status: criteria provided, single submitter. Criteria: EGL Classification Definitions 2015. Collection method: clinical testing. Allele origin: germline. Observed: 1 variant allele, 1 heterozygote.